The following is an entry in ClinVar:

NM_015338.6(ASXL1):c.1655T>C (p.Ile552Thr)

Gene: ASXL1 (ASXL transcriptional regulator 1; plus strand). Cytogenetic location: 20q11.21.
Variant type: single nucleotide variant.
Coding change: c.1655T>C on transcript NM_015338.6 (MANE Select); coding-DNA position 1655, T replaced by C.
Protein change: p.Ile552Thr; replaces isoleucine 552 with threonine.
Molecular consequence: missense variant.
Genome position (GRCh38, 1-based): chr20:32,433,853, T>C. VCF-style: chr20-32433853-T-C. GRCh37 (hg19) VCF-style: chr20-31021656-T-C.
Other names: c.1472T>C, p.Ile491Thr (NM_001363734.1); short protein forms I491T, I552T.
Identifiers: ClinVar variation 2801105 (VCV002801105.4), dbSNP rs1180135415, ClinGen allele CA408557593.

ClinVar aggregate classification (germline): Conflicting classifications of pathogenicity. Review status: criteria provided, conflicting classifications (1 of 4 stars). 2 submissions from 2 submitters: Uncertain significance (1); Likely benign (1). Last evaluated 2025-02-09.

Conditions:
Inborn genetic diseases. Identifiers: MedGen C0950123, MeSH D030342.

Allele frequency attached by ClinVar (database versions not stated): gnomAD exomes 0.00001; TOPMed 0.00001; gnomAD 0.00002.
gnomAD v4.1: 11 of 1,613,854 alleles (0.00068%); highest among the groups gnomAD compares: African/African-American, 0.0027%; no homozygotes.

Submissions (2):

Ambry Genetics
Classification: Likely benign for Inborn genetic diseases. Last evaluated: 2025-02-09. Review status: criteria provided, single submitter. Criteria: Ambry Variant Classification Scheme 2023. Collection method: clinical testing. Allele origin: germline.

Labcorp Genetics (formerly Invitae), Labcorp
Classification: Uncertain significance. Last evaluated: 2022-12-15. Review status: criteria provided, single submitter. Criteria: Invitae Variant Classification Sherloc (09022015). Collection method: clinical testing. Allele origin: germline.
Comment: Algorithms developed to predict the effect of missense changes on protein structure and function are either unavailable or do not agree on the potential impact of this missense change (SIFT: "Tolerated"; PolyPhen-2: "Probably Damaging"; Align-GVGD: "Class C0"). This variant has not been reported in the literature in individuals affected with ASXL1-related conditions. This variant is present in population databases (no rsID available, gnomAD 0.008%). In summary, the available evidence is currently insufficient to determine the role of this variant in disease. Therefore, it has been classified as a Variant of Uncertain Significance. This sequence change replaces isoleucine, which is neutral and non-polar, with threonine, which is neutral and polar, at codon 552 of the ASXL1 protein (p.Ile552Thr).